The following is an entry in ClinVar:

NM_025179.4(PLXNA2):c.241G>T (p.Val81Leu)

Gene: PLXNA2 (plexin A2; minus strand). Cytogenetic location: 1q32.2.
Variant type: single nucleotide variant.
Coding change: c.241G>T on transcript NM_025179.4 (MANE Select); coding-DNA position 241, G replaced by T.
Protein change: p.Val81Leu; replaces valine 81 with leucine.
Molecular consequence: missense variant.
Genome position (GRCh38, 1-based): chr1:208,217,682, C>A on the plus strand (G>T on the coding strand, the complement: PLXNA2 is on the minus strand). VCF-style: chr1-208217682-C-A. GRCh37 (hg19) VCF-style: chr1-208391027-C-A.
Other names: short protein forms V81L.
Identifiers: ClinVar variation 788720 (VCV000788720.14), dbSNP rs79601528, ClinGen allele CA1374105.

ClinVar aggregate classification (germline): Likely benign. Review status: criteria provided, multiple submitters, no conflicts (2 of 4 stars). 3 submissions from 3 submitters: Likely benign (2). 1 of the submissions does not count toward it. Last evaluated 2025-11-19.

Conditions:
PLXNA2-related disorder. Also called: PLXNA2-related condition.

Allele frequency attached by ClinVar (database versions not stated): 1000 Genomes Project 30x 0.00078; 1000 Genomes Project 0.00080; TOPMed 0.00280; gnomAD 0.00301 and 0.00308; gnomAD exomes 0.00307; ExAC 0.00323; ESP Exome Variant Server 0.00423.
gnomAD v4.1: 7,454 of 1,614,194 alleles (0.46%); highest among the groups gnomAD compares: Non-Finnish European, 0.59%; 22 homozygotes.

Submissions (3):

Labcorp Genetics (formerly Invitae), Labcorp
Classification: Likely benign. Last evaluated: 2025-11-19. Review status: criteria provided, single submitter. Criteria: Invitae Variant Classification Sherloc (09022015). Collection method: clinical testing. Allele origin: germline.

Breakthrough Genomics
Classification: Likely benign. Review status: criteria provided, single submitter. Criteria: ACMG Guidelines, 2015. Collection method: not provided. Allele origin: germline. Inheritance: Unknown mechanism. Affected: yes.

PreventionGenetics, part of Exact Sciences
Classification: Likely benign for PLXNA2-related condition. Last evaluated: 2021-05-25. Review status: no assertion criteria provided. Collection method: clinical testing. Allele origin: germline. Not counted in ClinVar's aggregate classification.
Comment: This variant is classified as likely benign based on ACMG/AMP sequence variant interpretation guidelines (Richards et al. 2015 PMID: 25741868, with internal and published modifications).